The following is an entry in ClinVar:

NM_022089.4(ATP13A2):c.3206C>G (p.Ala1069Gly)

Gene: ATP13A2 (ATPase cation transporting 13A2; minus strand). Cytogenetic location: 1p36.13.
Variant type: single nucleotide variant.
Coding change: c.3206C>G on transcript NM_022089.4 (MANE Select); coding-DNA position 3206, C replaced by G.
Protein change: p.Ala1069Gly; replaces alanine 1069 with glycine.
Molecular consequence: missense variant.
Genome position (GRCh38, 1-based): chr1:16,986,834, G>C on the plus strand (C>G on the coding strand, the complement: ATP13A2 is on the minus strand). VCF-style: chr1-16986834-G-C. GRCh37 (hg19) VCF-style: chr1-17313329-G-C.
Other names: c.3191C>G, p.Ala1064Gly (NM_001141973.3); c.3074C>G, p.Ala1025Gly (NM_001141974.3); c.3206C>G (NM_022089.2); short protein forms A1025G, A1064G, A1069G.
Identifiers: ClinVar variation 2044385 (VCV002044385.6), dbSNP rs764988645, ClinGen allele CA18625642.
Genomic context (GRCh38, chr1:16,986,834, plus strand): 5'-CAGCATCTCCCGCCCGCGCCCGCAGTGGCACCATTGGTGTAGAGCGGCCGGCGGAAGGGC[G>C]CCCCCTTGGACACGGCTGCAGCCAGGATGAGGTACTGGAAGCTGGACAGAGAGAAGACCA-3'
Protein context (NP_071372.1, residues 1059-1079): LILAAAVSKG[Ala1069Gly]PFRRPLYTNV

ClinVar aggregate classification (germline): Uncertain significance. Review status: criteria provided, multiple submitters, no conflicts (2 of 4 stars). 2 submissions from 2 submitters: Uncertain significance (2). Last evaluated 2023-04-20.

Conditions:
Autosomal recessive spastic paraplegia type 78. Identifiers: Orphanet 513436, MedGen C5567893, MONDO:0014975, OMIM 617225.
Kufor-Rakeb syndrome (KRS). Also called: PARKINSON DISEASE 9, AUTOSOMAL RECESSIVE, JUVENILE-ONSET. Identifiers: Orphanet 306674, Orphanet 314632, MedGen C1847640, MONDO:0011706, OMIM 606693.
Inborn genetic diseases. Identifiers: MedGen C0950123, MeSH D030342.

gnomAD v4.1: 19 of 1,612,926 alleles (0.0012%); highest among the groups gnomAD compares: African/African-American, 0.004%; no homozygotes.

Submissions (2):

Ambry Genetics
Classification: Uncertain significance for Inborn genetic diseases. Last evaluated: 2023-04-20. Review status: criteria provided, single submitter. Criteria: Ambry Variant Classification Scheme 2023. Collection method: clinical testing. Allele origin: germline.

Labcorp Genetics (formerly Invitae), Labcorp
Classification: Uncertain significance for Kufor-Rakeb syndrome; Autosomal recessive spastic paraplegia type 78. Last evaluated: 2022-04-06. Review status: criteria provided, single submitter. Criteria: Invitae Variant Classification Sherloc (09022015). Collection method: clinical testing. Allele origin: germline.
Comment: Advanced modeling of protein sequence and biophysical properties (such as structural, functional, and spatial information, amino acid conservation, physicochemical variation, residue mobility, and thermodynamic stability) performed at Invitae indicates that this missense variant is not expected to disrupt ATP13A2 protein function. In summary, the available evidence is currently insufficient to determine the role of this variant in disease. Therefore, it has been classified as a Variant of Uncertain Significance. This variant has not been reported in the literature in individuals affected with ATP13A2-related conditions. This variant is present in population databases (rs764988645, gnomAD 0.008%). This sequence change replaces alanine, which is neutral and non-polar, with glycine, which is neutral and non-polar, at codon 1069 of the ATP13A2 protein (p.Ala1069Gly).